The following is an entry in ClinVar:

NM_004655.4(AXIN2):c.330C>T (p.Phe110=)

Gene: AXIN2 (axin 2; minus strand). Cytogenetic location: 17q24.1.
Variant type: single nucleotide variant.
Coding change: c.330C>T on transcript NM_004655.4 (MANE Select); coding-DNA position 330, C replaced by T.
Protein change: p.Phe110=; no amino-acid change (phenylalanine 110 retained).
Molecular consequence: synonymous variant.
Genome position (GRCh38, 1-based): chr17:65,558,291, G>A on the plus strand (C>T on the coding strand, the complement: AXIN2 is on the minus strand). VCF-style: chr17-65558291-G-A. GRCh37 (hg19) VCF-style: chr17-63554409-G-A.
Other names: c.330C>T, p.Phe110= (NM_001363813.1); c.330C>T (LRG_296t1).
Identifiers: ClinVar variation 464620 (VCV000464620.12), dbSNP rs772650933, ClinGen allele CA8719065.

ClinVar aggregate classification (germline): Benign/Likely benign. Review status: criteria provided, multiple submitters, no conflicts (2 of 4 stars). 3 submissions from 3 submitters: Benign (1); Likely benign (2). Last evaluated 2026-01-10.

Conditions:
Hereditary cancer-predisposing syndrome. Also called: Neoplastic Syndromes, Hereditary; Tumor predisposition; Hereditary Cancer Syndrome; Hereditary neoplastic syndrome. Identifiers: Orphanet 140162, MedGen C0027672, MeSH D009386, MONDO:0015356.
Oligodontia-cancer predisposition syndrome. Also called: TOOTH AGENESIS-COLORECTAL CANCER SYNDROME. Identifiers: Orphanet 300576, MedGen C1837750, MONDO:0012075, OMIM 608615. Disease mechanism: loss of function.

Allele frequency attached by ClinVar (database versions not stated): ExAC 0.00001; gnomAD exomes 0.00001.
gnomAD v4.1: 4 of 1,614,210 alleles (0.00025%); highest among the groups gnomAD compares: East Asian, 0.0022%; no homozygotes.

Submissions (3):

Labcorp Genetics (formerly Invitae), Labcorp
Classification: Likely benign for Oligodontia-cancer predisposition syndrome. Last evaluated: 2026-01-10. Review status: criteria provided, single submitter. Criteria: Invitae Variant Classification Sherloc (09022015). Collection method: clinical testing. Allele origin: germline.

Myriad Genetics, Inc.
Classification: Benign for Oligodontia-cancer predisposition syndrome. Last evaluated: 2024-06-26. Review status: criteria provided, single submitter. Criteria: Myriad Autosomal Dominant, Autosomal Recessive and X-Linked Classification Criteria (2023). Collection method: clinical testing. Allele origin: unknown.
Comment: This variant is considered benign. This variant is a silent/synonymous amino acid change and it is not expected to impact splicing.

Ambry Genetics
Classification: Likely benign for Hereditary cancer-predisposing syndrome. Last evaluated: 2019-09-16. Review status: criteria provided, single submitter. Criteria: Ambry Variant Classification Scheme 2023. Collection method: clinical testing. Allele origin: germline.